The following is an entry in ClinVar:

NM_002470.4(MYH3):c.3907T>G (p.Ser1303Ala)

Gene: MYH3 (myosin heavy chain 3; minus strand). Cytogenetic location: 17p13.1.
Variant type: single nucleotide variant.
Coding change: c.3907T>G on transcript NM_002470.4 (MANE Select); coding-DNA position 3907, T replaced by G.
Protein change: p.Ser1303Ala; replaces serine 1303 with alanine.
Molecular consequence: missense variant.
Genome position (GRCh38, 1-based): chr17:10,635,803, A>C on the plus strand (T>G on the coding strand, the complement: MYH3 is on the minus strand). VCF-style: chr17-10635803-A-C. GRCh37 (hg19) VCF-style: chr17-10539120-A-C.
Other names: short protein forms S1303A.
Identifiers: ClinVar variation 1984024 (VCV001984024.4), dbSNP rs1157210244, ClinGen allele CA398147232.

ClinVar aggregate classification (germline): Uncertain significance (1 of 4 stars; one submission).

Allele frequency attached by ClinVar (database versions not stated): gnomAD 0.00001; TOPMed 0.00001.
gnomAD v4.1: 38 of 1,614,034 alleles (0.0024%); highest among the groups gnomAD compares: Non-Finnish European, 0.0031%; no homozygotes.

Submission:

Labcorp Genetics (formerly Invitae), Labcorp
Classification: Uncertain significance. Last evaluated: 2024-12-12. Review status: criteria provided, single submitter. Criteria: Invitae Variant Classification Sherloc (09022015). Collection method: clinical testing. Allele origin: germline.
Comment: This sequence change replaces serine, which is neutral and polar, with alanine, which is neutral and non-polar, at codon 1303 of the MYH3 protein (p.Ser1303Ala). This variant is present in population databases (no rsID available, gnomAD 0.003%). This variant has not been reported in the literature in individuals affected with MYH3-related conditions. ClinVar contains an entry for this variant (Variation ID: 1984024). Invitae Evidence Modeling of protein sequence and biophysical properties (such as structural, functional, and spatial information, amino acid conservation, physicochemical variation, residue mobility, and thermodynamic stability) indicates that this missense variant is not expected to disrupt MYH3 protein function with a negative predictive value of 95%. In summary, the available evidence is currently insufficient to determine the role of this variant in disease. Therefore, it has been classified as a Variant of Uncertain Significance.